The following is an entry in ClinVar:

NM_000492.4(CFTR):c.547C>A (p.Leu183Ile)

Gene: CFTR (CF transmembrane conductance regulator; plus strand). Cytogenetic location: 7q31.2.
Variant type: single nucleotide variant.
Coding change: c.547C>A on transcript NM_000492.4 (MANE Select); coding-DNA position 547, C replaced by A.
Protein change: p.Leu183Ile; replaces leucine 183 with isoleucine.
Molecular consequence: missense variant.
Genome position (GRCh38, 1-based): chr7:117,534,333, C>A. VCF-style: chr7-117534333-C-A. GRCh37 (hg19) VCF-style: chr7-117174387-C-A.
Other names: p.Leu183Ile; short protein forms L183I.
Identifiers: ClinVar variation 53997 (VCV000053997.32), dbSNP rs397508751, ClinGen allele CA327561.
Genomic context (GRCh38, chr7:117,534,333, plus strand): 5'-TAGACTTTAAAGCTGTCAAGCCGTGTTCTAGATAAAATAAGTATTGGACAACTTGTTAGT[C>A]TCCTTTCCAACAACCTGAACAAATTTGATGAAGTATGTACCTATTGATTTAATCTTTTAG-3'
Protein context (NP_000483.3, residues 173-193): DKISIGQLVS[Leu183Ile]LSNNLNKFDE

ClinVar aggregate classification (germline): Conflicting classifications of pathogenicity. Review status: criteria provided, conflicting classifications (1 of 4 stars). 11 submissions from 11 submitters: Uncertain significance (7); Likely benign (1). 3 of the submissions do not count toward it. Last evaluated 2026-07-27.

Conditions:
CFTR-related disorder (CFTR-RD). Also called: CFTR-related condition; CFTR-related disorders. Identifiers: MedGen C5924204, MONDO:7770004.
Cystic fibrosis (CF). Also called: MUCOVISCIDOSIS. Identifiers: Orphanet 586, MedGen C0010674, MONDO:0009061, OMIM 219700. Disease mechanism: loss of function.

Allele frequency attached by ClinVar (database versions not stated): gnomAD below 0.00001 and 0.00011; TOPMed 0.00002; gnomAD exomes 0.00017 and 0.00030; ExAC 0.00038; 1000 Genomes Project 30x 0.00141; 1000 Genomes Project 0.00160.
gnomAD v4.1: 272 of 1,602,238 alleles (0.017%); highest among the groups gnomAD compares: South Asian, 0.28%; 2 homozygotes.

Submissions (11):

PreventionGenetics, part of Exact Sciences
Classification: Uncertain significance for CFTR-related condition. Last evaluated: 2026-07-27. Review status: criteria provided, single submitter. Criteria: ACMG Guidelines, 2015. Collection method: clinical testing. Allele origin: germline.
Comment: The CFTR c.547C>A variant is predicted to result in the amino acid substitution p.Leu183Ile. This variant has been reported in a single patient with cystic fibrosis (in the absence of a second pathogenic variant) and another patient with CF-related symptoms (with normal sweat chloride levels) (Ziedalski et al 2006. PubMed ID: 17035430 and Shastri et al. 2008. PubMed ID: 17716958, respectively). In a hybrid minigene assay, the c.547C>A variant increased exon skipping by ~10% compared to wild-type cells in vitro (Aissat et al 2013. PubMed ID: 23420618). However, it is not clear whether this is sufficient to cause disease. This variant is reported in 0.24% of alleles in individuals of South Asian descent in gnomAD. At this time, the clinical significance of this variant is uncertain due to the absence of conclusive functional and genetic evidence.

Labcorp Genetics (formerly Invitae), Labcorp
Classification: Likely benign for Cystic fibrosis. Last evaluated: 2026-01-28. Review status: criteria provided, single submitter. Criteria: Invitae Variant Classification Sherloc (09022015). Collection method: clinical testing. Allele origin: germline.

Ambry Genetics
Classification: Uncertain significance for Cystic fibrosis. Last evaluated: 2025-06-24. Review status: criteria provided, single submitter. Criteria: Ambry Variant Classification Scheme 2023. Collection method: clinical testing. Allele origin: germline.
Comment: The p.L183I variant (also known as c.547C>A), located in coding exon 5 of the CFTR gene, results from a C to A substitution at nucleotide position 547. The leucine at codon 183 is replaced by isoleucine, an amino acid with highly similar properties. This variant was identified in an individual with lower respiratory tract infections, sinusitis, failure to thrive and elevated sweat chloride levels of 57 and 60; a second CFTR alteration was not identified (Shastri SS et al. J. Cyst. Fibros., 2008 Mar;7:110-5). An in vitro study attempting to identify exonic alterations which weaken core splicing motifs using hybrid minigene constructs revealed a increased basal exon skipping of exon 5 with this particular nucleotide substitution compared to the wild type construct (Aissat A et al. Hum. Mutat., 2013 Jun;34:873-81). This amino acid position is highly conserved in available vertebrate species. In addition, the in silico prediction for this alteration is inconclusive. Based on available evidence to date, the clinical significance of this alteration remains unclear.

Blueprint Genetics
Classification: Uncertain significance. Last evaluated: 2023-07-18. Review status: criteria provided, single submitter. Criteria: ACMG Guidelines, 2015. Collection method: clinical testing. Allele origin: germline.

Neuberg Centre For Genomic Medicine, NCGM
Classification: Uncertain significance for Cystic fibrosis. Last evaluated: 2023-03-01. Review status: criteria provided, single submitter. Criteria: ACMG Guidelines, 2015. Collection method: clinical testing. Allele origin: germline. Inheritance: Autosomal dominant inheritance. Affected: yes.
Comment: The missense variant c.547C>A(p.Leu183Ile) in the CFTR gene has been reported previously in a heterozygous state in individuals affected with asthma and chronic pancreatitis. An in vitro study attempting to identify exonic alterations which weaken core splicing motifs using hybrid minigene constructs revealed an increased basal exon skipping of exon 5 with this particular nucleotide substitution compared to the wild-type construct (Muthuswamy et al., 2014; Aissat et al., 2013). This variant is reported with the allele frequency (0.02%) in the gnomAD Exomes and novel (not in any individuals) in 1000 Genomes. This variant has been reported to the ClinVar database as Uncertain Significance/ Likely Benign. The amino acid Leucine at position 183 is changed to a Isoleucine changing protein sequence and it might alter its composition and physico- chemical properties. The variant is predicted as damaging by SIFT. The amino acid change p.Leu183Ile in CFTR is predicted as conserved by GERP++ and PhyloP across 100 vertebrates. Based on available evidence to date, the clinical significance of this alteration remains unclear. For these reasons, this variant has been classified as Uncertain Significance.

Genome-Nilou Lab
Classification: Uncertain significance for Cystic fibrosis. Last evaluated: 2021-07-22. Review status: criteria provided, single submitter. Criteria: ACMG Guidelines, 2015. Collection method: clinical testing. Allele origin: germline. Affected: no.

Mayo Clinic Laboratories, Mayo Clinic
Classification: Uncertain significance. Last evaluated: 2021-06-30. Review status: criteria provided, single submitter. Criteria: ACMG Guidelines, 2015. Collection method: clinical testing. Allele origin: germline.

Women's Health and Genetics/Laboratory Corporation of America, LabCorp
Classification: Uncertain significance. Last evaluated: 2020-09-11. Review status: criteria provided, single submitter. Criteria: LabCorp Variant Classification Summary - May 2015. Collection method: clinical testing. Allele origin: germline.
Comment: Variant summary: CFTR c.547C>A (p.Leu183Ile) results in a conservative amino acid change located in the ABC transporter type 1, transmembrane domain (IPR011527) of the encoded protein sequence. Four of five in-silico tools predict a damaging effect of the variant on protein function. The variant allele was found at a frequency of 0.0003 in 250676 control chromosomes (gnomAD). This frequency is not significantly higher than expected for a pathogenic variant in CFTR causing Cystic Fibrosis (0.0003 vs 0.013), allowing no conclusion about variant significance. c.547C>A has been reported in the literature in individuals affected with Cystic Fibrosis or CFTR related disorders (Ziedalski_2006, Shastri_2008). These reports do not provide unequivocal conclusions about association of the variant with Cystic Fibrosis. To our knowledge, no experimental evidence demonstrating an impact on protein function has been reported, although one study showed this variant did not lead to exon skipping (Aissat_2013). One ClinVar submitter (evaluation after 2014) cites the variant as uncertain significance. Based on the evidence outlined above, the variant was classified as uncertain significance.

ClinVar Staff, National Center for Biotechnology Information (NCBI)
No classification provided. Condition: CFTR-related disorders. Review status: no classification provided. Collection method: literature only. Allele origin: germline. Affected: yes. Not counted in ClinVar's aggregate classification.

Clinical Genetics DNA and cytogenetics Diagnostics Lab, Erasmus MC, Erasmus Medical Center
Classification: Uncertain significance. Review status: no assertion criteria provided. Collection method: clinical testing. Allele origin: germline. Affected: yes. Study: VKGL Data-share Consensus. Not counted in ClinVar's aggregate classification.

Diagnostic Laboratory, Department of Genetics, University Medical Center Groningen
Classification: Uncertain significance. Review status: no assertion criteria provided. Collection method: clinical testing. Allele origin: germline. Affected: yes. Study: VKGL Data-share Consensus. Not counted in ClinVar's aggregate classification.

Literature cited by the submitters: PubMed 17035430 (cited by Ambry Genetics and Women's Health and Genetics/Laboratory Corporation of America, LabCorp); PubMed 17716958 (cited by Ambry Genetics and Women's Health and Genetics/Laboratory Corporation of America, LabCorp); PubMed 23420618 (cited by Ambry Genetics and Women's Health and Genetics/Laboratory Corporation of America, LabCorp); PubMed 24440239 (cited by Women's Health and Genetics/Laboratory Corporation of America, LabCorp); PubMed 20059485 (cited by ClinVar Staff, National Center for Biotechnology Information (NCBI)).